The following is an entry in ClinVar:

ClinVar aggregate classification (germline): Uncertain significance. Review status: criteria provided, multiple submitters, no conflicts (2 of 4 stars). 2 submissions from 2 submitters: Uncertain significance (2). Last evaluated 2022-08-24.

Conditions:
Glycogen storage disease due to muscle and heart glycogen synthase deficiency. Also called: GSD 0b; MUSCLE GLYCOGEN SYNTHASE DEFICIENCY. Identifiers: Orphanet 137625, MedGen C1969054, MONDO:0012693, OMIM 611556.

Allele frequency attached by ClinVar (database versions not stated): TOPMed 0.00002; ExAC 0.00003; gnomAD exomes 0.00004.

Submissions (2):

Labcorp Genetics (formerly Invitae), Labcorp
Classification: Uncertain significance for Glycogen storage disease due to muscle and heart glycogen synthase deficiency. Last evaluated: 2022-08-24. Review status: criteria provided, single submitter. Criteria: Invitae Variant Classification Sherloc (09022015). Collection method: clinical testing. Allele origin: germline.
Comment: This sequence change replaces valine, which is neutral and non-polar, with methionine, which is neutral and non-polar, at codon 218 of the GYS1 protein (p.Val218Met). This variant is present in population databases (rs771977818, gnomAD 0.08%). This variant has not been reported in the literature in individuals affected with GYS1-related conditions. ClinVar contains an entry for this variant (Variation ID: 835130). Algorithms developed to predict the effect of missense changes on protein structure and function are either unavailable or do not agree on the potential impact of this missense change (SIFT: "Tolerated"; PolyPhen-2: "Probably Damaging"; Align-GVGD: "Class C0"). In summary, the available evidence is currently insufficient to determine the role of this variant in disease. Therefore, it has been classified as a Variant of Uncertain Significance.

Illumina Laboratory Services, Illumina
Classification: Uncertain significance for Glycogen storage disease due to muscle and heart glycogen synthase deficiency. Last evaluated: 2018-01-12. Review status: criteria provided, single submitter. Criteria: ICSL Variant Classification Criteria 13 December 2019. Collection method: clinical testing. Allele origin: germline.

NM_002103.5(GYS1):c.652G>A (p.Val218Met)

Gene: GYS1 (glycogen synthase 1; minus strand). Cytogenetic location: 19q13.33.
Variant type: single nucleotide variant.
Coding change: c.652G>A on transcript NM_002103.5 (MANE Select); coding-DNA position 652, G replaced by A.
Protein change: p.Val218Met; replaces valine 218 with methionine.
Molecular consequence: missense variant. On other transcripts: non-coding transcript variant (1).
Genome position (GRCh38, 1-based): chr19:48,985,876, C>T on the plus strand (G>A on the coding strand, the complement: GYS1 is on the minus strand). VCF-style: chr19-48985876-C-T. GRCh37 (hg19) VCF-style: chr19-49489133-C-T.
Other names: c.460G>A, p.Val154Met (NM_001161587.2); short protein forms V218M, V154M.
Identifiers: ClinVar variation 835130 (VCV000835130.10), dbSNP rs771977818, ClinGen allele CA9563281.